The following is an entry in ClinVar:

NM_024675.4(PALB2):c.3276C>G (p.Leu1092=)

Gene: PALB2 (partner and localizer of BRCA2; minus strand). Cytogenetic location: 16p12.2.
Variant type: single nucleotide variant.
Coding change: c.3276C>G on transcript NM_024675.4 (MANE Select); coding-DNA position 3276, C replaced by G.
Protein change: p.Leu1092=; no amino-acid change (leucine 1092 retained).
Molecular consequence: synonymous variant.
Genome position (GRCh38, 1-based): chr16:23,607,938, G>C on the plus strand (C>G on the coding strand, the complement: PALB2 is on the minus strand). VCF-style: chr16-23607938-G-C. GRCh37 (hg19) VCF-style: chr16-23619259-G-C.
Identifiers: ClinVar variation 921103 (VCV000921103.5), dbSNP rs779003246, ClinGen allele CA494175659.

ClinVar aggregate classification (germline): Benign/Likely benign. Review status: criteria provided, multiple submitters, no conflicts (2 of 4 stars). 3 submissions from 3 submitters: Benign (1); Likely benign (2). Last evaluated 2025-01-22.

Conditions:
Hereditary cancer-predisposing syndrome. Also called: Neoplastic Syndromes, Hereditary; Tumor predisposition; Hereditary Cancer Syndrome; Hereditary neoplastic syndrome. Identifiers: Orphanet 140162, MedGen C0027672, MeSH D009386, MONDO:0015356.
Familial cancer of breast. Also called: BREAST CANCER, FAMILIAL; Hereditary breast cancer; hereditary breast carcinoma. Identifiers: Orphanet 227535, MedGen C0346153, MONDO:0016419, OMIM 114480. Disease mechanism: loss of function.

Submissions (3):

Myriad Genetics, Inc.
Classification: Benign for Familial cancer of breast. Last evaluated: 2025-01-22. Review status: criteria provided, single submitter. Criteria: Myriad Autosomal Dominant, Autosomal Recessive and X-Linked Classification Criteria (2023). Collection method: clinical testing. Allele origin: unknown.
Comment: This variant is considered benign. This variant is a silent/synonymous amino acid change and it is not expected to impact splicing.

Color Diagnostics, LLC DBA Color Health
Classification: Likely benign for Hereditary cancer-predisposing syndrome. Last evaluated: 2020-01-27. Review status: criteria provided, single submitter. Criteria: ACMG Guidelines, 2015. Collection method: clinical testing. Allele origin: germline.

Ambry Genetics
Classification: Likely benign for Hereditary cancer-predisposing syndrome. Last evaluated: 2018-02-16. Review status: criteria provided, single submitter. Criteria: Ambry Variant Classification Scheme 2023. Collection method: clinical testing. Allele origin: germline.